The following is an entry in ClinVar:

ClinVar aggregate classification (germline): Likely benign. Review status: criteria provided, multiple submitters, no conflicts (2 of 4 stars). 2 submissions from 2 submitters: Likely benign (2). Last evaluated 2026-01-26.

Conditions:
Familial melanoma. Also called: Hereditary melanoma; Hereditary cutaneous melanoma. Identifiers: Orphanet 618, MedGen C1512419, MONDO:0018961.
Melanoma, cutaneous malignant, susceptibility to, 3. Also called: Cutaneous malignant melanoma 3. Identifiers: Orphanet 618, MedGen C1836892, MONDO:0012183, OMIM 609048.

Submissions (2):

Labcorp Genetics (formerly Invitae), Labcorp
Classification: Likely benign for Familial melanoma. Last evaluated: 2026-01-26. Review status: criteria provided, single submitter. Criteria: Invitae Variant Classification Sherloc (09022015). Collection method: clinical testing. Allele origin: germline.

Myriad Genetics, Inc.
Classification: Likely benign for Melanoma, cutaneous malignant, susceptibility to, 3. Last evaluated: 2024-09-26. Review status: criteria provided, single submitter. Criteria: Myriad Autosomal Dominant, Autosomal Recessive and X-Linked Classification Criteria (2023). Collection method: clinical testing. Allele origin: unknown.
Comment: This variant is considered likely benign. This variant is intronic and is not expected to impact mRNA splicing.

NM_000075.4(CDK4):c.684-11G>A

Genes: CDK4 (cyclin dependent kinase 4; minus strand), TSPAN31 (tetraspanin 31; plus strand). Cytogenetic location: 12q14.1.
Variant type: single nucleotide variant.
Coding change: c.684-11G>A on transcript NM_000075.4 (MANE Select); 11 bases into the intron before coding-DNA position 684, G replaced by A.
Molecular consequence: intron variant. On other transcripts: 3 prime UTR variant (3).
Genome position (GRCh38, 1-based): chr12:57,749,328, C>T on the plus strand (G>A on the coding strand, the complement: CDK4 is on the minus strand). VCF-style: chr12-57749328-C-T. GRCh37 (hg19) VCF-style: chr12-58143111-C-T.
Other names: c.*2038C>T (NM_001330168.2, NM_001330169.2, NM_005981.5).
Identifiers: ClinVar variation 2066664 (VCV002066664.5), dbSNP rs2140383239, ClinGen allele CA2580086606.